The following is an entry in ClinVar:

NM_001162501.2(TNRC6B):c.777G>A (p.Trp259Ter)

Gene: TNRC6B (trinucleotide repeat containing adaptor 6B; plus strand). Cytogenetic location: 22q13.1.
Variant type: single nucleotide variant.
Coding change: c.777G>A on transcript NM_001162501.2 (MANE Select); coding-DNA position 777, G replaced by A.
Protein change: p.Trp259Ter; replaces tryptophan 259 with a stop codon.
Molecular consequence: nonsense. On other transcripts: intron variant (1).
Genome position (GRCh38, 1-based): chr22:40,265,007, G>A. VCF-style: chr22-40265007-G-A. GRCh37 (hg19) VCF-style: chr22-40661011-G-A.
Other names: c.777G>A, p.Trp259Ter (NM_015088.3); c.565+2834G>A (NM_001024843.2); short protein forms W259*.
Identifiers: ClinVar variation 3242196 (VCV003242196.1), dbSNP rs2517984979.

ClinVar aggregate classification (germline): Likely pathogenic (1 of 4 stars; one submission).

Conditions:
Global developmental delay with speech and behavioral abnormalities. Identifiers: MedGen C5543226, MONDO:0030995, OMIM 619243.

Submission:

Neuberg Centre For Genomic Medicine, NCGM
Classification: Likely pathogenic for Global developmental delay with speech and behavioral abnormalities. Review status: criteria provided, single submitter. Criteria: ACMG Guidelines, 2015. Collection method: clinical testing. Allele origin: germline. Inheritance: Autosomal dominant inheritance. Affected: yes.
Comment: The observed stop gain variant c.777G>A (p.Trp259Ter) in TNRC6B gene has not been reported previously as a pathogenic variant nor as a benign variant, to our knowledge. The c.777G>A variant is absent in gnomAD Exomes database. This variant has not been submitted to the ClinVar database. The nucleotide change c.777G>A in TNRC6B is predicted as conserved by GERP++ and PhyloP across 100 vertebrates. This variant is predicted to cause loss of normal protein function through protein truncation. Loss of function variants have been previously reported to be disease causing. For these reasons, this variant has been classified as Likely Pathogenic. Additional studies will be required to prove the pathogenicity of this variant. For these reasons, this variant has been classified as Likely Pathogenic.